The following is an entry in ClinVar:

ClinVar aggregate classification (germline): Uncertain significance (1 of 4 stars; one submission).

Allele frequency attached by ClinVar (database versions not stated): TOPMed 0.00001.

Submission:

Labcorp Genetics (formerly Invitae), Labcorp
Classification: Uncertain significance. Last evaluated: 2022-10-21. Review status: criteria provided, single submitter. Criteria: Invitae Variant Classification Sherloc (09022015). Collection method: clinical testing. Allele origin: germline.
Comment: This variant is not present in population databases (gnomAD no frequency). In summary, the available evidence is currently insufficient to determine the role of this variant in disease. Therefore, it has been classified as a Variant of Uncertain Significance. Advanced modeling of protein sequence and biophysical properties (such as structural, functional, and spatial information, amino acid conservation, physicochemical variation, residue mobility, and thermodynamic stability) performed at Invitae indicates that this missense variant is not expected to disrupt ATP1A1 protein function. This variant has not been reported in the literature in individuals affected with ATP1A1-related conditions. This sequence change replaces alanine, which is neutral and non-polar, with serine, which is neutral and polar, at codon 475 of the ATP1A1 protein (p.Ala475Ser).

NM_000701.8(ATP1A1):c.1423G>T (p.Ala475Ser)

Genes: ATP1A1 (ATPase Na+/K+ transporting subunit alpha 1; plus strand), ATP1A1-AS1 (ATP1A1 antisense RNA 1; minus strand). Cytogenetic location: 1p13.1.
Variant type: single nucleotide variant.
Coding change: c.1423G>T on transcript NM_000701.8 (MANE Select); coding-DNA position 1423, G replaced by T.
Protein change: p.Ala475Ser; replaces alanine 475 with serine.
Molecular consequence: missense variant. On other transcripts: non-coding transcript variant (1).
Genome position (GRCh38, 1-based): chr1:116,392,944, G>T. VCF-style: chr1-116392944-G-T. GRCh37 (hg19) VCF-style: chr1-116935566-G-T.
Other names: c.1423G>T, p.Ala475Ser (NM_001160233.2); c.1330G>T, p.Ala444Ser (NM_001160234.2); short protein forms A444S, A475S.
Identifiers: ClinVar variation 1721988 (VCV001721988.5), dbSNP rs148719009, ClinGen allele CA341770509.